The following is an entry in ClinVar:

NM_001848.3(COL6A1):c.2996G>A (p.Gly999Asp)

Gene: COL6A1 (collagen type VI alpha 1 chain; plus strand). Cytogenetic location: 21q22.3.
Variant type: single nucleotide variant.
Coding change: c.2996G>A on transcript NM_001848.3 (MANE Select); coding-DNA position 2996, G replaced by A.
Protein change: p.Gly999Asp; replaces glycine 999 with aspartic acid.
Molecular consequence: missense variant.
Genome position (GRCh38, 1-based): chr21:46,003,922, G>A. VCF-style: chr21-46003922-G-A. GRCh37 (hg19) VCF-style: chr21-47423836-G-A.
Other names: short protein forms G999D.
Identifiers: ClinVar variation 645892 (VCV000645892.9), dbSNP rs1603595132, ClinGen allele CA410541756.
Genomic context (GRCh38, chr21:46,003,922, plus strand): 5'-ATGAGCCCCACATCCGCGTCCTGGTCACCGGCAAGACGGCCGAGTACGACGTGGCCTACG[G>A]CGAGAGCCACCTGTTCCGTGTCCCCAGCTACCAGGCCCTGCTCCGCGGTGTCTTCCACCA-3'
Protein context (NP_001839.2, residues 989-1009): GKTAEYDVAY[Gly999Asp]ESHLFRVPSY

ClinVar aggregate classification (germline): Uncertain significance (1 of 4 stars; one submission).

Conditions:
Bethlem myopathy 1A. Also called: Bethlem Muscular Dystrophy; Bethlem myopathy 1; MYOPATHY, BENIGN CONGENITAL, WITH CONTRACTURES. Identifiers: Orphanet 610, MedGen CN029274, MONDO:0024530, OMIM 158810.

Submission:

Labcorp Genetics (formerly Invitae), Labcorp
Classification: Uncertain significance for Bethlem myopathy 1A. Last evaluated: 2018-07-01. Review status: criteria provided, single submitter. Criteria: Invitae Variant Classification Sherloc (09022015). Collection method: clinical testing. Allele origin: germline.
Comment: This sequence change replaces glycine with aspartic acid at codon 999 of the COL6A1 protein (p.Gly999Asp). The glycine residue is moderately conserved and there is a moderate physicochemical difference between glycine and aspartic acid. This variant is not present in population databases (ExAC no frequency). In summary, the available evidence is currently insufficient to determine the role of this variant in disease. Therefore, it has been classified as a Variant of Uncertain Significance. Algorithms developed to predict the effect of missense changes on protein structure and function are either unavailable or do not agree on the potential impact of this missense change (SIFT: "Deleterious"; PolyPhen-2: "Probably Damaging"; Align-GVGD: "Class C0"). This variant has not been reported in the literature in individuals with COL6A1-related disease.